The following is an entry in ClinVar:

ClinVar aggregate classification (germline): Uncertain significance. Review status: criteria provided, multiple submitters, no conflicts (2 of 4 stars). 2 submissions from 2 submitters: Uncertain significance (2). Last evaluated 2021-06-10.

Conditions:
Hereditary cancer-predisposing syndrome. Also called: Tumor predisposition; Hereditary neoplastic syndrome; Hereditary Cancer Syndrome; Neoplastic Syndromes, Hereditary. Identifiers: Orphanet 140162, MedGen C0027672, MeSH D009386, MONDO:0015356.
Hereditary nonpolyposis colorectal neoplasms. Identifiers: MedGen C0009405, MeSH D003123.

Submissions (2):

Ambry Genetics
Classification: Uncertain significance for Hereditary cancer-predisposing syndrome. Last evaluated: 2021-06-10. Review status: criteria provided, single submitter. Criteria: Ambry Variant Classification Scheme 2023. Collection method: clinical testing. Allele origin: germline.
Comment: The p.P531A variant (also known as c.1591C>G), located in coding exon 4 of the MSH6 gene, results from a C to G substitution at nucleotide position 1591. The proline at codon 531 is replaced by alanine, an amino acid with highly similar properties. This amino acid position is highly conserved in available vertebrate species. In addition, the in silico prediction for this alteration is inconclusive. Since supporting evidence is limited at this time, the clinical significance of this alteration remains unclear.

Labcorp Genetics (formerly Invitae), Labcorp
Classification: Uncertain significance for Hereditary nonpolyposis colorectal neoplasms. Last evaluated: 2019-07-14. Review status: criteria provided, single submitter. Criteria: Invitae Variant Classification Sherloc (09022015). Collection method: clinical testing. Allele origin: germline.
Comment: In summary, the available evidence is currently insufficient to determine the role of this variant in disease. Therefore, it has been classified as a Variant of Uncertain Significance. Algorithms developed to predict the effect of missense changes on protein structure and function (SIFT, PolyPhen-2, Align-GVGD) all suggest that this variant is likely to be tolerated, but these predictions have not been confirmed by published functional studies and their clinical significance is uncertain. This variant has not been reported in the literature in individuals with MSH6-related conditions. This variant is not present in population databases (ExAC no frequency). This sequence change replaces proline with alanine at codon 531 of the MSH6 protein (p.Pro531Ala). The proline residue is moderately conserved and there is a small physicochemical difference between proline and alanine.

NM_000179.3(MSH6):c.1591C>G (p.Pro531Ala)

Gene: MSH6 (mutS homolog 6; plus strand). Cytogenetic location: 2p16.3.
Variant type: single nucleotide variant.
Coding change: c.1591C>G on transcript NM_000179.3 (MANE Select); coding-DNA position 1591, C replaced by G.
Protein change: p.Pro531Ala; replaces proline 531 with alanine.
Molecular consequence: missense variant.
Genome position (GRCh38, 1-based): chr2:47,799,574, C>G. VCF-style: chr2-47799574-C-G. GRCh37 (hg19) VCF-style: chr2-48026713-C-G.
Other names: c.685C>G, p.Pro229Ala (NM_001281494.2, NM_001281493.2); c.1201C>G, p.Pro401Ala (NM_001281492.2); short protein forms P401A, P531A, P229A.
Identifiers: ClinVar variation 963712 (VCV000963712.12), dbSNP rs201721694, ClinGen allele CA346746906.